The following is an entry in ClinVar:

ClinVar aggregate classification (germline): Pathogenic (1 of 4 stars; one submission).

Conditions:
Hereditary cancer-predisposing syndrome. Also called: Hereditary neoplastic syndrome; Tumor predisposition; Hereditary Cancer Syndrome; Neoplastic Syndromes, Hereditary. Identifiers: Orphanet 140162, MedGen C0027672, MeSH D009386, MONDO:0015356.

Submission:

Labcorp Genetics (formerly Invitae), Labcorp
Classification: Pathogenic for Hereditary cancer-predisposing syndrome. Last evaluated: 2021-10-09. Review status: criteria provided, single submitter. Criteria: Invitae Variant Classification Sherloc (09022015). Collection method: clinical testing. Allele origin: germline.
Comment: This sequence change creates a premature translational stop signal (p.Asp767Glufs*4) in the RAD50 gene. It is expected to result in an absent or disrupted protein product. This variant is not present in population databases (ExAC no frequency). This variant has not been reported in the literature in individuals with RAD50-related conditions. Loss-of-function variants in RAD50 are known to be pathogenic (PMID: 16385572, 19409520). For these reasons, this variant has been classified as Pathogenic.

Literature cited by the submitters: PubMed 16385572; PubMed 19409520.

NM_005732.4(RAD50):c.2296_2300dup (p.Asp767fs)

Gene: RAD50 (RAD50 double strand break repair protein; plus strand). Cytogenetic location: 5q31.1.
Variant type: Duplication.
Coding change: c.2296_2300dup on transcript NM_005732.4 (MANE Select); coding-DNA positions 2296 to 2300, 5 bases duplicated (AACGA; older notation c.2296_2300dupAACGA).
Protein change: p.Asp767fs; shifts the reading frame from aspartic acid 767.
Molecular consequence: frameshift variant.
Genome position (GRCh38, 1-based): chr5:132,603,388-132,603,392, AACGA duplicated. VCF-style (leftmost placement, unchanged base first): chr5-132603387-G-GAACGA. GRCh37 (hg19) VCF-style: chr5-131939079-G-GAACGA.
Other names: short protein forms D767fs.
Identifiers: ClinVar variation 1068959 (VCV001068959.7), dbSNP rs2149846942, ClinGen allele CA2499217574.